The following is an entry in ClinVar:

ClinVar aggregate classification (germline): Likely benign. Review status: criteria provided, single submitter (1 of 4 stars). 2 submissions from 2 submitters: Likely benign (1). 1 of the submissions does not count toward it. Last evaluated 2025-11-18.

Conditions:
RAI1-related disorder. Also called: RAI1-related condition.

gnomAD v4.1: 20 of 1,612,130 alleles (0.0012%); highest among the groups gnomAD compares: East Asian, 0.0067%; no homozygotes.

Submissions (2):

Labcorp Genetics (formerly Invitae), Labcorp
Classification: Likely benign. Last evaluated: 2025-11-18. Review status: criteria provided, single submitter. Criteria: Invitae Variant Classification Sherloc (09022015). Collection method: clinical testing. Allele origin: germline.

PreventionGenetics, part of Exact Sciences
Classification: Likely benign for RAI1-related condition. Last evaluated: 2023-06-22. Review status: no assertion criteria provided. Collection method: clinical testing. Allele origin: germline. Not counted in ClinVar's aggregate classification.
Comment: This variant is classified as likely benign based on ACMG/AMP sequence variant interpretation guidelines (Richards et al. 2015 PMID: 25741868, with internal and published modifications).

NM_030665.4(RAI1):c.3660T>C (p.His1220=)

Gene: RAI1 (retinoic acid induced 1; plus strand). Cytogenetic location: 17p11.2.
Variant type: single nucleotide variant.
Coding change: c.3660T>C on transcript NM_030665.4 (MANE Select); coding-DNA position 3660, T replaced by C.
Protein change: p.His1220=; no amino-acid change (histidine 1220 retained).
Molecular consequence: synonymous variant.
Genome position (GRCh38, 1-based): chr17:17,796,608, T>C. VCF-style: chr17-17796608-T-C. GRCh37 (hg19) VCF-style: chr17-17699922-T-C.
Other names: c.3660T>C (NM_030665.3).
Identifiers: ClinVar variation 2143348 (VCV002143348.6), dbSNP rs745379131, ClinGen allele CA8418772.
Genomic context (GRCh38, chr17:17,796,608, plus strand): 5'-CCAGCGGGCAAGGGTCCCCAAACCTGGTGCAGGCAGCAAGCTCTCTGACCGGCCCCTCCA[T>C]GCGCTCAAAAGGAAGTCGGCCTTCATGGCGCCGGTCCCCACCAAGAAGCGGAACCTGGTC-3'
Protein context (NP_109590.3, residues 1210-1230): AGSKLSDRPL[His1220=]ALKRKSAFMA